The following is an entry in ClinVar:

NM_001368894.2(PAX6):c.246del (p.Arg83fs)

Gene: PAX6 (paired box 6; minus strand). Cytogenetic location: 11p13.
Variant type: Deletion.
Coding change: c.246del on transcript NM_001368894.2 (MANE Select); coding-DNA position 246, one base deleted (C; older notation c.246delC).
Protein change: p.Arg83fs; shifts the reading frame from arginine 83.
Molecular consequence: frameshift variant. On other transcripts: 5 prime UTR variant (14), non-coding transcript variant (2), intron variant (8).
Genome position (GRCh38, 1-based): chr11:31,801,714, G deleted on the plus strand (C on the coding strand, the reverse complement: PAX6 is on the minus strand); the first of 3 consecutive G bases (chr11:31,801,714-31,801,716); deleting any one gives the same sequence. VCF-style (leftmost placement, unchanged base first): chr11-31801713-TG-T. GRCh37 (hg19) VCF-style: chr11-31823261-TG-T.
Other names: c.204del, p.Arg69fs (NM_000280.6, NM_001127612.3, NM_001258464.2 and 10 more transcripts); c.246del, p.Arg83fs (NM_001258462.3, NM_001258463.2, NM_001310158.2 and 6 more transcripts); c.-536del (NM_001310160.2, NM_001368902.2, NM_001368905.2); c.-205del (NM_001310161.3, NM_001368899.2, NM_001368900.2 and 8 more transcripts); c.447del, p.Arg150fs (NM_001368910.2); c.249del, p.Arg84fs (NM_001368911.2); c.321del, p.Arg108fs (NM_001368918.2, NM_001368919.2); c.279del, p.Arg94fs (NM_001368920.2); and 2 more; short protein forms R108fs, R150fs, R69fs, R83fs, R84fs, R94fs.
Identifiers: ClinVar variation 4871861 (VCV004871861.1).
Genomic context (GRCh38, chr11:31,801,713, plus strand): 5'-GGGCTATTTTGCTTACAACTTCTGGAGTCGCTACTCTCGGTTTACTACCACCGATTGCCC[TG>T]GGTCTGATGGAGCCAGTCTCGTAATACCTGCCCAGAATTTTACTCACACATCCGTTGGAC-3'

ClinVar aggregate classification (germline): Pathogenic (1 of 4 stars; one submission).

Conditions:
Aniridia 1 (AN1). Identifiers: Orphanet 250923, MedGen C0344542, MONDO:0024507, OMIM 106210.

Submission:

Department of Ophthalmology, Graduate School of Medicine, The University of Osaka
Classification: Pathogenic for Aniridia 1. Last evaluated: 2026-07-08. Review status: criteria provided, single submitter. Criteria: ACMG Guidelines, 2015. Collection method: clinical testing. Allele origin: germline. Affected: yes. Observed: 1 variant allele.
Comment: This variant introduces a premature termination codon, predicted to result in nonsense-mediated mRNA decay and loss of function of PAX6 (PVS1).